The following is an entry in ClinVar:

ClinVar aggregate classification (germline): Uncertain significance (1 of 4 stars; one submission).

Allele frequency attached by ClinVar (database versions not stated): TOPMed below 0.00001; gnomAD 0.00001; gnomAD exomes 0.00001; ExAC 0.00002.
gnomAD v4.1: 10 of 1,614,034 alleles (0.00062%); highest among the groups gnomAD compares: South Asian, 0.0077%; no homozygotes.

Submission:

Labcorp Genetics (formerly Invitae), Labcorp
Classification: Uncertain significance. Last evaluated: 2022-07-23. Review status: criteria provided, single submitter. Criteria: Invitae Variant Classification Sherloc (09022015). Collection method: clinical testing. Allele origin: germline.
Comment: This variant is present in population databases (rs764308274, gnomAD 0.01%). This variant has not been reported in the literature in individuals affected with ERBB2-related conditions. Algorithms developed to predict the effect of sequence changes on RNA splicing suggest that this variant may create or strengthen a splice site. In summary, the available evidence is currently insufficient to determine the role of this variant in disease. Therefore, it has been classified as a Variant of Uncertain Significance. This sequence change affects codon 863 of the ERBB2 mRNA. It is a 'silent' change, meaning that it does not change the encoded amino acid sequence of the ERBB2 protein.

NM_004448.4(ERBB2):c.2589C>T (p.Asp863=)

Gene: ERBB2 (erb-b2 receptor tyrosine kinase 2; plus strand). Cytogenetic location: 17q12.
Variant type: single nucleotide variant.
Coding change: c.2589C>T on transcript NM_004448.4 (MANE Select); coding-DNA position 2589, C replaced by T.
Protein change: p.Asp863=; no amino-acid change (aspartic acid 863 retained).
Molecular consequence: synonymous variant. On other transcripts: non-coding transcript variant (1), intron variant (3).
Genome position (GRCh38, 1-based): chr17:39,725,144, C>T. VCF-style: chr17-39725144-C-T. GRCh37 (hg19) VCF-style: chr17-37881397-C-T.
Other names: c.2580C>T, p.Asp860= (NM_001382791.1); c.2553C>T, p.Asp851= (NM_001382792.1); c.2499C>T, p.Asp833= (NM_001005862.3, NM_001382782.1, NM_001382783.1); c.2544C>T, p.Asp848= (NM_001289936.2); c.2589C>T, p.Asp863= (NM_001289937.2, NM_001382796.1); c.2706C>T, p.Asp902= (NM_001382784.1); c.2691C>T, p.Asp897= (NM_001382785.1); c.2670C>T, p.Asp890= (NM_001382786.1); and 15 more.
Identifiers: ClinVar variation 1990683 (VCV001990683.4), dbSNP rs764308274, ClinGen allele CA8534332.